The following is an entry in ClinVar:

NM_001267550.2(TTN):c.61826G>A (p.Arg20609His)

Genes: TTN (titin; minus strand), TTN-AS1 (TTN antisense RNA 1; plus strand). Cytogenetic location: 2q31.2.
Variant type: single nucleotide variant.
Coding change: c.61826G>A on transcript NM_001267550.2 (MANE Select); coding-DNA position 61826, G replaced by A.
Protein change: p.Arg20609His; replaces arginine 20609 with histidine.
Molecular consequence: missense variant.
Genome position (GRCh38, 1-based): chr2:178,589,899, C>T on the plus strand (G>A on the coding strand, the complement: TTN is on the minus strand). VCF-style: chr2-178589899-C-T. GRCh37 (hg19) VCF-style: chr2-179454626-C-T.
Other names: c.61826G>A (NM_001267550.1); c.56903G>A, p.Arg18968His (NM_001256850.1); c.34631G>A, p.Arg11544His (NM_003319.4); c.54122G>A, p.Arg18041His (NM_133378.4); c.35006G>A, p.Arg11669His (NM_133432.3); c.35207G>A, p.Arg11736His (NM_133437.4); short protein forms R18041H, R20609H, R11544H, R18968H, R11736H, R11669H.
Identifiers: ClinVar variation 595148 (VCV000595148.9), dbSNP rs372546292, ClinGen allele CA1992303.

ClinVar aggregate classification (germline): Uncertain significance. Review status: criteria provided, multiple submitters, no conflicts (2 of 4 stars). 3 submissions from 3 submitters: Uncertain significance (3). Last evaluated 2026-10-16.

Conditions:
Dilated cardiomyopathy 1G (CMD1G). Identifiers: Orphanet 154, MedGen C1858763, MONDO:0011400, OMIM 604145.
Tibial muscular dystrophy (TMD). Also called: Udd Distal Myopathy – Tibial Muscular Dystrophy; UDD MYOPATHY; Tibial muscular dystrophy, tardive. Identifiers: Orphanet 609, MedGen C1838244, MONDO:0010870, OMIM 600334.
Early-onset myopathy with fatal cardiomyopathy (CMYO5). Also called: Salih Myopathy; CONGENITAL MYOPATHY 5 WITH CARDIOMYOPATHY. Identifiers: Orphanet 289377, MedGen C2673677, MONDO:0012714, OMIM 611705. Disease mechanism: loss of function.
Hypertrophic cardiomyopathy 9. Also called: Familial hypertrophic cardiomyopathy 9. Identifiers: MedGen C1861065, MONDO:0013412, OMIM 613765.
Autosomal recessive limb-girdle muscular dystrophy type 2J (LGMDR10). Also called: Limb-girdle muscular dystrophy, type 2J; MUSCULAR DYSTROPHY, LIMB-GIRDLE, AUTOSOMAL RECESSIVE 10. Identifiers: Orphanet 140922, MedGen C1837342, MONDO:0012127, OMIM 608807.
Myopathy, myofibrillar, 9, with early respiratory failure (MFM9). Also called: EDSTROM MYOPATHY; Hereditary myopathy with early respiratory failure; MYOPATHY, PROXIMAL, WITH EARLY RESPIRATORY MUSCLE INVOLVEMENT; Myopathy, distal, with early respiratory failure, autosomal dominant. Identifiers: Orphanet 178464, Orphanet 34521, MedGen C1863599, MONDO:0011362, OMIM 603689.

Allele frequency attached by ClinVar (database versions not stated): gnomAD exomes 0.00001 and 0.00002; ESP Exome Variant Server 0.00008; gnomAD 0.00004; ExAC 0.00002; TOPMed 0.00007.
gnomAD v4.1: 21 of 1,613,178 alleles (0.0013%); highest among the groups gnomAD compares: Admixed American, 0.0067%; no homozygotes.

Submissions (3):

GeneDx
Classification: Uncertain significance. Last evaluated: 2026-10-16. Review status: criteria provided, single submitter. Criteria: GeneDx Variant Classification Process June 2021. Collection method: clinical testing. Allele origin: germline.
Comment: Not observed at significant frequency in large population cohorts (gnomAD); Missense variant in a gene in which most reported pathogenic variants are truncating/loss of function; Has not been previously published as pathogenic or benign to our knowledge

Fulgent Genetics
Classification: Uncertain significance for Tibial muscular dystrophy; Myopathy, myofibrillar, 9, with early respiratory failure; Dilated cardiomyopathy 1G; Autosomal recessive limb-girdle muscular dystrophy type 2J; Early-onset myopathy with fatal cardiomyopathy; Hypertrophic cardiomyopathy 9. Last evaluated: 2021-08-23. Review status: criteria provided, single submitter. Criteria: ACMG Guidelines, 2015. Collection method: clinical testing. Allele origin: unknown.

Eurofins Ntd Llc (ga)
Classification: Uncertain significance. Last evaluated: 2017-12-11. Review status: criteria provided, single submitter. Criteria: EGL Classification Definitions 2015. Collection method: clinical testing. Allele origin: germline. Observed: 1 variant allele, 1 heterozygote.